The following is an entry in ClinVar:

NM_000143.4(FH):c.751del (p.Tyr251fs)

Gene: FH (fumarate hydratase; minus strand). Cytogenetic location: 1q43.
Variant type: Deletion.
Coding change: c.751del on transcript NM_000143.4 (MANE Select); coding-DNA position 751, one base deleted (T; older notation c.751delT).
Protein change: p.Tyr251fs; shifts the reading frame from tyrosine 251.
Molecular consequence: frameshift variant.
Genome position (GRCh38, 1-based): chr1:241,506,156, A deleted on the plus strand (T on the coding strand, the reverse complement: FH is on the minus strand); the first of 2 consecutive A bases (chr1:241,506,156-241,506,157); deleting either gives the same sequence. VCF-style (leftmost placement, unchanged base first): chr1-241506155-TA-T. GRCh37 (hg19) VCF-style: chr1-241669455-TA-T.
Other names: c.750delT, p.Tyr251Metfs (NM_000143.3); short protein forms Y251fs.
Identifiers: ClinVar variation 3572419 (VCV003572419.2).

ClinVar aggregate classification (germline): Likely pathogenic (1 of 4 stars; one submission).

Submission:

Quest Diagnostics Nichols Institute San Juan Capistrano
Classification: Likely pathogenic. Last evaluated: 2024-12-09. Review status: criteria provided, single submitter. Criteria: Quest Diagnostics criteria. Collection method: clinical testing. Allele origin: unknown.
Comment: The FH c.751del (p.Tyr251Metfs*5) variant alters the translational reading frame of the FH mRNA and is predicted to cause the premature termination of FH protein synthesis. To the best of our knowledge, this variant has not been reported as a germline variant in individuals with FH-related conditions in the published literature. A similar truncating variant at the same codon (p.Y251fs) was observed as a somatic variant in the tumor of an individual with renal cell carcinoma (PMID: 27635946 (2021)). The c.751del (p.Tyr251Metfs*5) variant has not been reported in large, multi-ethnic general populations (Genome Aggregation Database). Based on the available information, this variant is classified as likely pathogenic.

Literature cited by the submitters: PubMed 33084842.